The following is an entry in ClinVar:

ClinVar aggregate classification (germline): Uncertain significance (1 of 4 stars; one submission).

Conditions:
Developmental and epileptic encephalopathy. Identifiers: MedGen C5779964, MONDO:0100620.

Submission:

Victorian Clinical Genetics Services, Murdoch Childrens Research Institute
Classification: Uncertain significance for Developmental and epileptic encephalopathy. Last evaluated: 2023-07-17. Review status: criteria provided, single submitter. Criteria: ACMG Guidelines, 2015. Collection method: clinical testing. Allele origin: germline. Inheritance: Autosomal dominant inheritance. Affected: yes.
Comment: Based on the classification scheme VCGS_Germline_v1.3.4, this variant is classified as VUS-3A. Following criteria are met: 0102 - Loss of function is a known mechanism of disease in this gene and is associated with developmental and epileptic encephalopathy, (MONDO:0100062), SLC32A1-related (PMID: 36073542). (I) 0107 - This gene is associated with autosomal dominant disease. (I) 0200 - Variant is predicted to result in a missense amino acid change from valine to isoleucine. (I) 0251 - This variant is heterozygous. (I) 0301 - Variant is absent from gnomAD (both v2 and v3). (SP) 0503 - Missense variant consistently predicted to be tolerated by multiple in silico tools or not conserved in placental mammals with a minor amino acid change. (SB) 0600 - Variant is located in the annotated transmembrane amino acid transporter protein (DECIPHER). (I) 0705 - No comparable missense variants have previous evidence for pathogenicity. (I) 0807 - This variant has no previous evidence of pathogenicity. (I) 0905 - No published segregation evidence has been identified for this variant. (I) 1007 - No published functional evidence has been identified for this variant. (SP) Legend: (SP) - Supporting pathogenic, (I) - Information, (SB) - Supporting benign

Literature cited by the submitters: PubMed 36073542.

NM_080552.3(SLC32A1):c.889G>A (p.Val297Ile)

Gene: SLC32A1 (solute carrier family 32 member 1; plus strand). Cytogenetic location: 20q11.23.
Variant type: single nucleotide variant.
Coding change: c.889G>A on transcript NM_080552.3 (MANE Select); coding-DNA position 889, G replaced by A.
Protein change: p.Val297Ile; replaces valine 297 with isoleucine.
Molecular consequence: missense variant.
Genome position (GRCh38, 1-based): chr20:38,727,950, G>A. VCF-style: chr20-38727950-G-A. GRCh37 (hg19) VCF-style: chr20-37356593-G-A.
Other names: short protein forms V297I.
Identifiers: ClinVar variation 3376791 (VCV003376791.1).